The following is an entry in ClinVar:

ClinVar aggregate classification (germline): not provided (0 of 4 stars; one submission).

Allele frequency attached by ClinVar (database versions not stated): gnomAD 0.00001; gnomAD exomes 0.00001; TOPMed 0.00001; ExAC 0.00003; 1000 Genomes Project 30x 0.00016; 1000 Genomes Project 0.00020.
gnomAD v4.1: 9 of 1,590,884 alleles (0.00057%); highest among the groups gnomAD compares: East Asian, 0.0069%; no homozygotes.

Submission:

ITMI
No classification provided. Condition: AllHighlyPenetrant. Last evaluated: 2013-09-19. Review status: no classification provided. Collection method: reference population. Allele origin: germline.
Comment: Please see associated publication for description of ethnicities

Literature cited by the submitters: PubMed 24728327.

NM_000215.4(JAK3):c.991G>A (p.Glu331Lys)

Gene: JAK3 (Janus kinase 3; minus strand). Cytogenetic location: 19p13.11.
Variant type: single nucleotide variant.
Coding change: c.991G>A on transcript NM_000215.4 (MANE Select); coding-DNA position 991, G replaced by A.
Protein change: p.Glu331Lys; replaces glutamic acid 331 with lysine.
Molecular consequence: missense variant.
Genome position (GRCh38, 1-based): chr19:17,841,540, C>T on the plus strand (G>A on the coding strand, the complement: JAK3 is on the minus strand). VCF-style: chr19-17841540-C-T. GRCh37 (hg19) VCF-style: chr19-17952349-C-T.
Other names: short protein forms E331K.
Identifiers: ClinVar variation 134585 (VCV000134585.1), dbSNP rs201387977, ClinGen allele CA160264.